The following is an entry in ClinVar:

ClinVar aggregate classification (germline): Conflicting classifications of pathogenicity. Review status: criteria provided, conflicting classifications (1 of 4 stars). 2 submissions from 2 submitters: Uncertain significance (1); Likely benign (1). Last evaluated 2023-08-17.

Conditions:
Hereditary nonpolyposis colorectal neoplasms. Identifiers: MedGen C0009405, MeSH D003123.
Hereditary cancer-predisposing syndrome. Also called: Neoplastic Syndromes, Hereditary; Tumor predisposition; Hereditary Cancer Syndrome; Hereditary neoplastic syndrome. Identifiers: Orphanet 140162, MedGen C0027672, MeSH D009386, MONDO:0015356.

Allele frequency attached by ClinVar (database versions not stated): gnomAD exomes below 0.00001; ExAC 0.00001.
gnomAD v4.1: 1 of 1,577,632 alleles (0.000063%); highest among the groups gnomAD compares: Admixed American, 0.0018%; no homozygotes.

Submissions (2):

Labcorp Genetics (formerly Invitae), Labcorp
Classification: Likely benign for Hereditary nonpolyposis colorectal neoplasms. Last evaluated: 2023-08-17. Review status: criteria provided, single submitter. Criteria: Invitae Variant Classification Sherloc (09022015). Collection method: clinical testing. Allele origin: germline.

Color Diagnostics, LLC DBA Color Health
Classification: Uncertain significance for Hereditary cancer-predisposing syndrome. Last evaluated: 2019-11-05. Review status: criteria provided, single submitter. Criteria: ACMG Guidelines, 2015. Collection method: clinical testing. Allele origin: germline.
Comment: This missense variant replaces lysine with arginine at codon 1014 of the MSH6 protein. Computational prediction tool suggests that this variant may not impact protein structure and function (internally defined REVEL score threshold ≤0.5, PMID: 27666373). Splice site prediction tools suggest that this variant may not impact RNA splicing. To our knowledge, functional studies have not been performed for this variant. This variant has not been reported in individuals affected with hereditary cancer in the literature. This variant has been identified in 1/223788 chromosomes in the general population by the Genome Aggregation Database (gnomAD). The available evidence is insufficient to determine the role of this variant in disease conclusively. Therefore, this variant is classified as a Variant of Uncertain Significance.

NM_000179.3(MSH6):c.3041A>G (p.Lys1014Arg)

Gene: MSH6 (mutS homolog 6; plus strand). Cytogenetic location: 2p16.3.
Variant type: single nucleotide variant.
Coding change: c.3041A>G on transcript NM_000179.3 (MANE Select); coding-DNA position 3041, A replaced by G.
Protein change: p.Lys1014Arg; replaces lysine 1014 with arginine.
Molecular consequence: missense variant.
Genome position (GRCh38, 1-based): chr2:47,801,024, A>G. VCF-style: chr2-47801024-A-G. GRCh37 (hg19) VCF-style: chr2-48028163-A-G.
Other names: c.2651A>G, p.Lys884Arg (NM_001281492.2); c.2135A>G, p.Lys712Arg (NM_001281493.2, NM_001281494.2); short protein forms K884R, K1014R, K712R.
Identifiers: ClinVar variation 922087 (VCV000922087.11), dbSNP rs774560892, ClinGen allele CA069986.